The following is an entry in ClinVar:

NC_000002.12:g.(?_166036028)_(166039616_?)dup

Gene: SCN1A (sodium voltage-gated channel alpha subunit 1; minus strand). Cytogenetic location: 2q24.3.
Variant type: Duplication.
Identifiers: ClinVar variation 831811 (VCV000831811.4).

ClinVar aggregate classification (germline): Uncertain significance (1 of 4 stars; one submission).

Conditions:
Developmental and epileptic encephalopathy. Identifiers: MedGen C5779964, MONDO:0100620.

Submission:

Labcorp Genetics (formerly Invitae), Labcorp
Classification: Uncertain significance for Early-infantile DEE. Last evaluated: 2023-12-18. Review status: criteria provided, single submitter. Criteria: Invitae Variant Classification Sherloc (09022015). Collection method: clinical testing. Allele origin: germline.
Comment: This variant results in a copy number gain of the genomic region encompassing exon(s) 14-16 of the SCN1A gene. While the exact position of this variant cannot be determined from the data, sub-genic copy number gains are generally in tandem (PMID: 25640679). This variant is predicted to be in-frame, and likely preserves the integrity of the reading frame. This variant has not been reported in the literature in individuals affected with SCN1A-related conditions. In summary, the available evidence is currently insufficient to determine the role of this variant in disease. Therefore, it has been classified as a Variant of Uncertain Significance.

Literature cited by the submitters: PubMed 25640679.